The following is an entry in ClinVar:

NM_024923.4(NUP210):c.3360G>A (p.Ala1120=)

Gene: NUP210 (nucleoporin 210; minus strand). Cytogenetic location: 3p25.1.
Variant type: single nucleotide variant.
Coding change: c.3360G>A on transcript NM_024923.4 (MANE Select); coding-DNA position 3360, G replaced by A.
Protein change: p.Ala1120=; no amino-acid change (alanine 1120 retained).
Molecular consequence: synonymous variant.
Genome position (GRCh38, 1-based): chr3:13,339,965, C>T on the plus strand (G>A on the coding strand, the complement: NUP210 is on the minus strand). VCF-style: chr3-13339965-C-T. GRCh37 (hg19) VCF-style: chr3-13381465-C-T.
Identifiers: ClinVar variation 2653570 (VCV002653570.24), dbSNP rs113775377, ClinGen allele CA2263476.

ClinVar aggregate classification (germline): Likely benign (1 of 4 stars; one submission).

Allele frequency attached by ClinVar (database versions not stated): gnomAD exomes 0.00032; ExAC 0.00078; 1000 Genomes Project 0.00140; 1000 Genomes Project 30x 0.00187; gnomAD 0.00234; ESP Exome Variant Server 0.00238; TOPMed 0.00277.
gnomAD v4.1: 843 of 1,614,040 alleles (0.052%); highest among the groups gnomAD compares: African/African-American, 0.78%; 3 homozygotes.

Submission:

CeGaT Center for Human Genetics Tuebingen
Classification: Likely benign. Last evaluated: 2022-12-01. Review status: criteria provided, single submitter. Criteria: CeGaT Center For Human Genetics Tuebingen Variant Classification Criteria Version 2. Collection method: clinical testing. Allele origin: germline. Affected: yes. Observed: 1 variant allele.
Comment: NUP210: BP4, BP7